The following is an entry in ClinVar:

NM_003200.5(TCF3):c.1379A>T (p.His460Leu)

Gene: TCF3 (transcription factor 3; minus strand). Cytogenetic location: 19p13.3.
Variant type: single nucleotide variant.
Coding change: c.1379A>T on transcript NM_003200.5 (MANE Select); coding-DNA position 1379, A replaced by T.
Protein change: p.His460Leu; replaces histidine 460 with leucine.
Molecular consequence: missense variant.
Genome position (GRCh38, 1-based): chr19:1,619,182, T>A on the plus strand (A>T on the coding strand, the complement: TCF3 is on the minus strand). VCF-style: chr19-1619182-T-A. GRCh37 (hg19) VCF-style: chr19-1619181-T-A.
Other names: c.1379A>T, p.His460Leu (NM_001136139.4, NM_001351779.2); c.1376A>T, p.His459Leu (NM_001351778.2); short protein forms H460L, H459L.
Identifiers: ClinVar variation 4744297 (VCV004744297.1).

ClinVar aggregate classification (germline): Uncertain significance (1 of 4 stars; one submission).

gnomAD v4.1: 1 of 1,600,436 alleles (0.000062%); highest among the groups gnomAD compares: African/African-American, 0.0013%; no homozygotes.

Submission:

Labcorp Genetics (formerly Invitae), Labcorp
Classification: Uncertain significance. Last evaluated: 2025-10-01. Review status: criteria provided, single submitter. Criteria: Invitae Variant Classification Sherloc (09022015). Collection method: clinical testing. Allele origin: germline.
Comment: This sequence change replaces histidine, which is basic and polar, with leucine, which is neutral and non-polar, at codon 460 of the TCF3 protein (p.His460Leu). This variant is not present in population databases (gnomAD no frequency). This variant has not been reported in the literature in individuals affected with TCF3-related conditions. Invitae Evidence Modeling of protein sequence and biophysical properties (such as structural, functional, and spatial information, amino acid conservation, physicochemical variation, residue mobility, and thermodynamic stability) indicates that this missense variant is not expected to disrupt TCF3 protein function with a negative predictive value of 80%. In summary, the available evidence is currently insufficient to determine the role of this variant in disease. Therefore, it has been classified as a Variant of Uncertain Significance.